The following is an entry in ClinVar:

NM_001376.5(DYNC1H1):c.4197G>A (p.Leu1399=)

Gene: DYNC1H1 (dynein cytoplasmic 1 heavy chain 1; plus strand). Cytogenetic location: 14q32.31.
Variant type: single nucleotide variant.
Coding change: c.4197G>A on transcript NM_001376.5 (MANE Select); coding-DNA position 4197, G replaced by A.
Protein change: p.Leu1399=; no amino-acid change (leucine 1399 retained).
Molecular consequence: synonymous variant.
Genome position (GRCh38, 1-based): chr14:102,001,156, G>A. VCF-style: chr14-102001156-G-A. GRCh37 (hg19) VCF-style: chr14-102467493-G-A.
Other names: c.4197G>A (NM_001376.4).
Identifiers: ClinVar variation 1572163 (VCV001572163.9), dbSNP rs2141285890, ClinGen allele CA488183936.

ClinVar aggregate classification (germline): Likely benign. Review status: criteria provided, multiple submitters, no conflicts (2 of 4 stars). 2 submissions from 2 submitters: Likely benign (2). Last evaluated 2026-09-03.

Conditions:
DYNC1H1-related disorder. Also called: DYNC1H1-related disorders; DYNC1H1-related condition. Identifiers: MedGen CN381529.
Charcot-Marie-Tooth disease axonal type 2O. Also called: Charcot-Marie-Tooth Neuropathy Type 2O; Charcot-Marie-Tooth disease, axonal, type 20; CHARCOT-MARIE-TOOTH NEUROPATHY, AXONAL, TYPE 2O; CHARCOT-MARIE-TOOTH DISEASE, AXONAL, AUTOSOMAL DOMINANT, TYPE 2O. Identifiers: Orphanet 284232, MedGen C3280220, MONDO:0013644, OMIM 614228.

gnomAD v4.1: 4 of 1,614,170 alleles (0.00025%); highest among the groups gnomAD compares: Non-Finnish European, 0.00034%; no homozygotes.

Submissions (2):

PreventionGenetics, part of Exact Sciences
Classification: Likely benign for DYNC1H1-related condition. Last evaluated: 2026-09-03. Review status: criteria provided, single submitter. Criteria: ACMG Guidelines, 2015. Collection method: clinical testing. Allele origin: germline.
Comment: This variant is classified as likely benign based on ACMG/AMP sequence variant interpretation guidelines (Richards et al. 2015 PMID: 25741868, with internal and published modifications).

Labcorp Genetics (formerly Invitae), Labcorp
Classification: Likely benign for Charcot-Marie-Tooth disease axonal type 2O. Last evaluated: 2023-08-24. Review status: criteria provided, single submitter. Criteria: Invitae Variant Classification Sherloc (09022015). Collection method: clinical testing. Allele origin: germline.